The following is an entry in ClinVar:

ClinVar aggregate classification (germline): Uncertain significance. Review status: criteria provided, multiple submitters, no conflicts (2 of 4 stars). 2 submissions from 2 submitters: Uncertain significance (2). Last evaluated 2025-06-12.

Conditions:
Retinitis pigmentosa (RP). Identifiers: Orphanet 791, MedGen C0035334, MeSH D012174, MONDO:0019200, OMIM 268000. Inheritance: Autosomal dominant, autosomal recessive and X linked inheritance.

Allele frequency attached by ClinVar (database versions not stated): ExAC 0.00003; gnomAD 0.00003 and 0.00004; gnomAD exomes 0.00003 and 0.00004; TOPMed 0.00005; ESP Exome Variant Server 0.00008.
gnomAD v4.1: 52 of 1,614,132 alleles (0.0032%); highest among the groups gnomAD compares: East Asian, 0.013%; no homozygotes.

Submissions (2):

Labcorp Genetics (formerly Invitae), Labcorp
Classification: Uncertain significance. Last evaluated: 2025-06-12. Review status: criteria provided, single submitter. Criteria: Invitae Variant Classification Sherloc (09022015). Collection method: clinical testing. Allele origin: germline.
Comment: This sequence change replaces alanine, which is neutral and non-polar, with threonine, which is neutral and polar, at codon 478 of the ZNF513 protein (p.Ala478Thr). This variant is present in population databases (rs143734828, gnomAD 0.02%). This variant has not been reported in the literature in individuals affected with ZNF513-related conditions. ClinVar contains an entry for this variant (Variation ID: 898634). An algorithm developed to predict the effect of missense changes on protein structure and function (PolyPhen-2) suggests that this variant is likely to be disruptive. In summary, the available evidence is currently insufficient to determine the role of this variant in disease. Therefore, it has been classified as a Variant of Uncertain Significance.

Illumina Laboratory Services, Illumina
Classification: Uncertain significance for Retinitis pigmentosa. Last evaluated: 2018-01-13. Review status: criteria provided, single submitter. Criteria: ICSL Variant Classification Criteria 13 December 2019. Collection method: clinical testing. Allele origin: germline.

NM_144631.6(ZNF513):c.1432G>A (p.Ala478Thr)

Genes: ZNF513 (zinc finger protein 513; minus strand), LOC129933376 (ATAC-STARR-seq lymphoblastoid active region 15506; plus strand). Cytogenetic location: 2p23.3.
Variant type: single nucleotide variant.
Coding change: c.1432G>A on transcript NM_144631.6 (MANE Select); coding-DNA position 1432, G replaced by A.
Protein change: p.Ala478Thr; replaces alanine 478 with threonine.
Molecular consequence: missense variant.
Genome position (GRCh38, 1-based): chr2:27,377,739, C>T on the plus strand (G>A on the coding strand, the complement: ZNF513 is on the minus strand). VCF-style: chr2-27377739-C-T. GRCh37 (hg19) VCF-style: chr2-27600606-C-T.
Other names: c.1246G>A, p.Ala416Thr (NM_001201459.2); short protein forms A478T, A416T.
Identifiers: ClinVar variation 898634 (VCV000898634.8), dbSNP rs143734828, ClinGen allele CA1577806.